The following is an entry in ClinVar:

NM_000361.3(THBD):c.*1770T>C

Gene: THBD (thrombomodulin; minus strand). Cytogenetic location: 20p11.21.
Variant type: single nucleotide variant.
Coding change: c.*1770T>C on transcript NM_000361.3 (MANE Select); 1770 bases downstream of the stop codon, T replaced by C.
Molecular consequence: 3 prime UTR variant.
Genome position (GRCh38, 1-based): chr20:23,046,007, A>G on the plus strand (T>C on the coding strand, the complement: THBD is on the minus strand). VCF-style: chr20-23046007-A-G. GRCh37 (hg19) VCF-style: chr20-23026644-A-G.
Identifiers: ClinVar variation 337854 (VCV000337854.5), dbSNP rs113252822, ClinGen allele CA10652987.

ClinVar aggregate classification (germline): Benign (1 of 4 stars; one submission).

Conditions:
Atypical hemolytic-uremic syndrome with thrombomodulin anomaly. Also called: HEMOLYTIC UREMIC SYNDROME, ATYPICAL, SUSCEPTIBILITY TO, 6; AHUS, SUSCEPTIBILITY TO, 6. Identifiers: MedGen C2752036, MONDO:0013044, OMIM 612926. Disease mechanism: gain of function.

Allele frequency attached by ClinVar (database versions not stated): gnomAD 0.00216 and 0.00232; 1000 Genomes Project 30x 0.00250; TOPMed 0.00294; 1000 Genomes Project 0.00240.

Submission:

Illumina Laboratory Services, Illumina
Classification: Benign for Atypical hemolytic-uremic syndrome with thrombomodulin anomaly. Last evaluated: 2018-01-13. Review status: criteria provided, single submitter. Criteria: ICSL Variant Classification Criteria 13 December 2019. Collection method: clinical testing. Allele origin: germline.
Comment: This variant was observed in the ICSL laboratory as part of a predisposition screen in an ostensibly healthy population. It had not been previously curated by ICSL or reported in the Human Gene Mutation Database (HGMD: prior to June 1st, 2018), and was therefore a candidate for classification through an automated scoring system. Utilizing variant allele frequency, disease prevalence and penetrance estimates, and inheritance mode, an automated score was calculated to assess if this variant is too frequent to cause the disease. Based on the score and internal cut-off values, a variant classified as benign is not then subjected to further curation. The score for this variant resulted in a classification of benign for this disease.